The following is an entry in ClinVar:

NM_001447.3(FAT2):c.5629T>C (p.Tyr1877His)

Genes: FAT2 (FAT atypical cadherin 2; minus strand), SLC36A1 (solute carrier family 36 member 1; plus strand). Cytogenetic location: 5q33.1.
Variant type: single nucleotide variant.
Coding change: c.5629T>C on transcript NM_001447.3 (MANE Select); coding-DNA position 5629, T replaced by C.
Protein change: p.Tyr1877His; replaces tyrosine 1877 with histidine.
Molecular consequence: missense variant.
Genome position (GRCh38, 1-based): chr5:151,545,498, A>G on the plus strand (T>C on the coding strand, the complement: FAT2 is on the minus strand). VCF-style: chr5-151545498-A-G. GRCh37 (hg19) VCF-style: chr5-150925059-A-G.
Other names: c.5629T>C (NM_001447.2); short protein forms Y1877H.
Identifiers: ClinVar variation 2067437 (VCV002067437.31), dbSNP rs144352685, ClinGen allele CA3521258.

ClinVar aggregate classification (germline): Conflicting classifications of pathogenicity. Review status: criteria provided, conflicting classifications (1 of 4 stars). 4 submissions from 4 submitters: Uncertain significance (3); Likely benign (1). Last evaluated 2025-08-18.

Allele frequency attached by ClinVar (database versions not stated): 1000 Genomes Project 30x 0.00016; ExAC 0.00016; 1000 Genomes Project 0.00020; gnomAD 0.00022; ESP Exome Variant Server 0.00038; gnomAD exomes 0.00039.
gnomAD v4.1: 628 of 1,614,130 alleles (0.039%); highest among the groups gnomAD compares: Non-Finnish European, 0.046%; no homozygotes.

Submissions (4):

Labcorp Genetics (formerly Invitae), Labcorp
Classification: Uncertain significance. Last evaluated: 2025-08-18. Review status: criteria provided, single submitter. Criteria: Invitae Variant Classification Sherloc (09022015). Collection method: clinical testing. Allele origin: germline.
Comment: This sequence change replaces tyrosine, which is neutral and polar, with histidine, which is basic and polar, at codon 1877 of the FAT2 protein (p.Tyr1877His). This variant is present in population databases (rs144352685, gnomAD 0.03%). This variant has not been reported in the literature in individuals affected with FAT2-related conditions. ClinVar contains an entry for this variant (Variation ID: 2067437). Invitae Evidence Modeling of protein sequence and biophysical properties (such as structural, functional, and spatial information, amino acid conservation, physicochemical variation, residue mobility, and thermodynamic stability) indicates that this missense variant is expected to disrupt FAT2 protein function with a positive predictive value of 80%. In summary, the available evidence is currently insufficient to determine the role of this variant in disease. Therefore, it has been classified as a Variant of Uncertain Significance.

CeGaT Center for Human Genetics Tuebingen
Classification: Likely benign. Last evaluated: 2025-03-01. Review status: criteria provided, single submitter. Criteria: CeGaT Center For Human Genetics Tuebingen Variant Classification Criteria Version 2. Collection method: clinical testing. Allele origin: germline. Affected: yes. Observed: 2 variant alleles.
Comment: FAT2: PP2, BS1

Ambry Genetics
Classification: Uncertain significance. Last evaluated: 2023-10-13. Review status: criteria provided, single submitter. Criteria: Ambry Variant Classification Scheme 2023. Collection method: clinical testing. Allele origin: germline.

Women's Health and Genetics/Laboratory Corporation of America, LabCorp
Classification: Uncertain significance. Last evaluated: 2023-08-21. Review status: criteria provided, single submitter. Criteria: LabCorp Variant Classification Summary - May 2015. Collection method: clinical testing. Allele origin: germline.
Comment: Variant summary: FAT2 c.5629T>C (p.Tyr1877His) results in a conservative amino acid change in the encoded protein sequence. Four of five in-silico tools predict a damaging effect of the variant on protein function. The variant allele was found at a frequency of 0.00018 in 251068 control chromosomes (i.e., 45 heterozygotes; gnomAD v2.1 Exomes dataset). Although the available data on variant occurrences in the general population are insufficient to allow any conclusion about variant significance, these data suggest that the variant might not be associated with high-penetrance, early-onset, dominant disease. To our knowledge, no occurrence of c.5629T>C in individuals affected with Spinocerebellar Ataxia 45 and no experimental evidence demonstrating its impact on protein function have been reported. One submitter has reported clinical-significance assessments for this variant to ClinVar after 2014 and has classified the variant as uncertain significance. Based on the evidence outlined above, the variant was classified as VUS-possibly benign.